The following is an entry in ClinVar:

ClinVar aggregate classification (germline): Uncertain significance (1 of 4 stars; one submission).

Conditions:
Renal cell carcinoma. Identifiers: Orphanet 217071, MedGen C0007134, MeSH D002292, MONDO:0005086, HP:0005584.

Submission:

Labcorp Genetics (formerly Invitae), Labcorp
Classification: Uncertain significance for Renal cell carcinoma. Last evaluated: 2025-01-21. Review status: criteria provided, single submitter. Criteria: Invitae Variant Classification Sherloc (09022015). Collection method: clinical testing. Allele origin: germline.
Comment: This sequence change falls in intron 14 of the MET gene. It does not directly change the encoded amino acid sequence of the MET protein. It affects a nucleotide within the consensus splice site. This variant is not present in population databases (gnomAD no frequency). This variant has not been reported in the literature in individuals affected with MET-related conditions. Variants that disrupt the consensus splice site are a relatively common cause of aberrant splicing (PMID: 17576681, 9536098). Algorithms developed to predict the effect of sequence changes on RNA splicing suggest that this variant is not likely to affect RNA splicing. In summary, the available evidence is currently insufficient to determine the role of this variant in disease. Therefore, it has been classified as a Variant of Uncertain Significance.

Literature cited by the submitters: PubMed 17576681; PubMed 9536098.

NM_000245.4(MET):c.3028+6T>C

Gene: MET (MET proto-oncogene, receptor tyrosine kinase; plus strand). Cytogenetic location: 7q31.2.
Variant type: single nucleotide variant.
Coding change: c.3028+6T>C on transcript NM_000245.4 (MANE Select); 6 bases into the intron after coding-DNA position 3028, T replaced by C.
Molecular consequence: intron variant.
Genome position (GRCh38, 1-based): chr7:116,771,995, T>C. VCF-style: chr7-116771995-T-C. GRCh37 (hg19) VCF-style: chr7-116412049-T-C.
Other names: c.3082+6T>C (NM_001127500.3); c.1738+6T>C (NM_001324402.2).
Identifiers: ClinVar variation 3608896 (VCV003608896.2).
Genomic context (GRCh38, chr7:116,771,995, plus strand): 5'-ACTACAGAAATGGTTTCAAATGAATCTGTAGACTACCGAGCTACTTTTCCAGAAGGTATA[T>C]TTCAGTTTATTGTTCTGAGAAATACCTATACATATACCTCAGTGGGTTGTGACATTGTTG-3'